The following is an entry in ClinVar:

NM_025179.4(PLXNA2):c.32T>C (p.Leu11Pro)

Gene: PLXNA2 (plexin A2; minus strand). Cytogenetic location: 1q32.2.
Variant type: single nucleotide variant.
Coding change: c.32T>C on transcript NM_025179.4 (MANE Select); coding-DNA position 32, T replaced by C.
Protein change: p.Leu11Pro; replaces leucine 11 with proline.
Molecular consequence: missense variant.
Genome position (GRCh38, 1-based): chr1:208,217,891, A>G on the plus strand (T>C on the coding strand, the complement: PLXNA2 is on the minus strand). VCF-style: chr1-208217891-A-G. GRCh37 (hg19) VCF-style: chr1-208391236-A-G.
Other names: c.32T>C (NM_025179.3); short protein forms L11P.
Identifiers: ClinVar variation 2738614 (VCV002738614.5), dbSNP rs577372550, ClinGen allele CA1374148.
Genomic context (GRCh38, chr1:208,217,891, plus strand): 5'-GGGGGGGCCAGCAGCACCCAGACCACTGAGAGCAGGACCACAGAGCGGCTGTCCACCTCC[A>G]GGGCCCGGGGCCAGGGCCGCCTCTGTTCCATGCTGAGAGGGGCGGCGGTGAGGAGACGGC-3'
Protein context (NP_079455.3, residues 1-21): MEQRRPWPRA[Leu11Pro]EVDSRSVVLL

ClinVar aggregate classification (germline): Conflicting classifications of pathogenicity. Review status: criteria provided, conflicting classifications (1 of 4 stars). 3 submissions from 3 submitters: Uncertain significance (1); Likely benign (1). 1 of the submissions does not count toward it. Last evaluated 2024-01-03.

Conditions:
PLXNA2-related disorder. Also called: PLXNA2-related condition.

Allele frequency attached by ClinVar (database versions not stated): gnomAD exomes 0.00002; gnomAD 0.00003; TOPMed 0.00007; ExAC 0.00008; 1000 Genomes Project 0.00020; 1000 Genomes Project 30x 0.00062.
gnomAD v4.1: 34 of 1,611,368 alleles (0.0021%); highest among the groups gnomAD compares: East Asian, 0.065%; no homozygotes.

Submissions (3):

Ambry Genetics
Classification: Likely benign. Last evaluated: 2024-01-03. Review status: criteria provided, single submitter. Criteria: Ambry Variant Classification Scheme 2023. Collection method: clinical testing. Allele origin: germline.

Labcorp Genetics (formerly Invitae), Labcorp
Classification: Uncertain significance. Last evaluated: 2023-07-12. Review status: criteria provided, single submitter. Criteria: Invitae Variant Classification Sherloc (09022015). Collection method: clinical testing. Allele origin: germline.
Comment: This sequence change replaces leucine, which is neutral and non-polar, with proline, which is neutral and non-polar, at codon 11 of the PLXNA2 protein (p.Leu11Pro). This variant is present in population databases (rs577372550, gnomAD 0.1%), and has an allele count higher than expected for a pathogenic variant. This variant has not been reported in the literature in individuals affected with PLXNA2-related conditions. Algorithms developed to predict the effect of missense changes on protein structure and function output the following: SIFT: "Not Available"; PolyPhen-2: "Benign"; Align-GVGD: "Not Available". The proline amino acid residue is found in multiple mammalian species, which suggests that this missense change does not adversely affect protein function. In summary, the available evidence is currently insufficient to determine the role of this variant in disease. Therefore, it has been classified as a Variant of Uncertain Significance.

PreventionGenetics, part of Exact Sciences
Classification: Uncertain significance for PLXNA2-related condition. Last evaluated: 2024-06-12. Review status: no assertion criteria provided. Collection method: clinical testing. Allele origin: germline. Not counted in ClinVar's aggregate classification.
Comment: The PLXNA2 c.32T>C variant is predicted to result in the amino acid substitution p.Leu11Pro. To our knowledge, this variant has not been reported in the literature. This variant is reported in 0.13% of alleles in individuals of East Asian descent in gnomAD, which may be too common to be an undocumented primary cause of disease. Although we suspect that this variant may be benign, the clinical significance of this variant is classified as uncertain at this time due to insufficient functional and genetic evidence.